The following is an entry in ClinVar:

NM_005996.4(TBX3):c.1931C>T (p.Ala644Val)

Gene: TBX3 (T-box transcription factor 3; minus strand). Cytogenetic location: 12q24.21.
Variant type: single nucleotide variant.
Coding change: c.1931C>T on transcript NM_005996.4 (MANE Select); coding-DNA position 1931, C replaced by T.
Protein change: p.Ala644Val; replaces alanine 644 with valine.
Molecular consequence: missense variant.
Genome position (GRCh38, 1-based): chr12:114,672,082, G>A on the plus strand (C>T on the coding strand, the complement: TBX3 is on the minus strand). VCF-style: chr12-114672082-G-A. GRCh37 (hg19) VCF-style: chr12-115109887-G-A.
Other names: c.1991C>T, p.Ala664Val (NM_016569.4); c.1991C>T (NM_016569.3); c.1931C>T (NM_005996.3); short protein forms A644V, A664V.
Identifiers: ClinVar variation 2199468 (VCV002199468.6), dbSNP rs762342872, ClinGen allele CA6809822.

ClinVar aggregate classification (germline): Uncertain significance. Review status: criteria provided, multiple submitters, no conflicts (2 of 4 stars). 3 submissions from 3 submitters: Uncertain significance (2). 1 of the submissions does not count toward it. Last evaluated 2024-12-25.

Conditions:
TBX3-related disorder. Also called: TBX3-related condition.
Ulnar-mammary syndrome (UMS). Also called: Ulnar-mammary syndrome of Pallister; SCHINZEL SYNDROME; PALLISTER ULNAR-MAMMARY SYNDROME. Identifiers: Orphanet 3138, MedGen C1866994, MONDO:0008411, OMIM 181450.
Inborn genetic diseases. Identifiers: MedGen C0950123, MeSH D030342.

Allele frequency attached by ClinVar (database versions not stated): TOPMed 0.00002; gnomAD 0.00004; gnomAD exomes 0.00006; ExAC 0.00013.
gnomAD v4.1: 87 of 1,567,274 alleles (0.0056%); highest among the groups gnomAD compares: South Asian, 0.037%; no homozygotes.

Submissions (3):

Ambry Genetics
Classification: Uncertain significance for Inborn genetic diseases. Last evaluated: 2024-12-25. Review status: criteria provided, single submitter. Criteria: Ambry Variant Classification Scheme 2023. Collection method: clinical testing. Allele origin: germline.

Labcorp Genetics (formerly Invitae), Labcorp
Classification: Uncertain significance for Ulnar-mammary syndrome. Last evaluated: 2024-06-21. Review status: criteria provided, single submitter. Criteria: Invitae Variant Classification Sherloc (09022015). Collection method: clinical testing. Allele origin: germline.
Comment: This sequence change replaces alanine, which is neutral and non-polar, with valine, which is neutral and non-polar, at codon 644 of the TBX3 protein (p.Ala644Val). This variant is present in population databases (rs762342872, gnomAD 0.04%), and has an allele count higher than expected for a pathogenic variant. This variant has not been reported in the literature in individuals affected with TBX3-related conditions. ClinVar contains an entry for this variant (Variation ID: 2199468). An algorithm developed to predict the effect of missense changes on protein structure and function (PolyPhen-2) suggests that this variant is likely to be tolerated. In summary, the available evidence is currently insufficient to determine the role of this variant in disease. Therefore, it has been classified as a Variant of Uncertain Significance.

PreventionGenetics, part of Exact Sciences
Classification: Uncertain significance for TBX3-related condition. Last evaluated: 2024-03-11. Review status: no assertion criteria provided. Collection method: clinical testing. Allele origin: germline. Not counted in ClinVar's aggregate classification.
Comment: The TBX3 c.1991C>T variant is predicted to result in the amino acid substitution p.Ala664Val. To our knowledge, this variant has not been reported in the literature. This variant is reported in 0.041% of alleles in individuals of South Asian descent in gnomAD. Although we suspect that this variant may be benign, at this time, the clinical significance of this variant is uncertain due to the absence of conclusive functional and genetic evidence.